The following is an entry in ClinVar:

NM_015141.4(GPD1L):c.334C>T (p.Pro112Ser)

Gene: GPD1L (glycerol-3-phosphate dehydrogenase 1 like; plus strand). Cytogenetic location: 3p22.3.
Variant type: single nucleotide variant.
Coding change: c.334C>T on transcript NM_015141.4 (MANE Select); coding-DNA position 334, C replaced by T.
Protein change: p.Pro112Ser; replaces proline 112 with serine.
Molecular consequence: missense variant.
Genome position (GRCh38, 1-based): chr3:32,138,695, C>T. VCF-style: chr3-32138695-C-T. GRCh37 (hg19) VCF-style: chr3-32180187-C-T.
Other names: c.334C>T (NM_015141.3); short protein forms P112S.
Identifiers: ClinVar variation 1419841 (VCV001419841.8), dbSNP rs762262112, ClinGen allele CA2296605.

ClinVar aggregate classification (germline): Uncertain significance. Review status: criteria provided, multiple submitters, no conflicts (2 of 4 stars). 2 submissions from 2 submitters: Uncertain significance (2). Last evaluated 2024-04-22.

Conditions:
Cardiovascular phenotype. Identifiers: MedGen CN230736.
Brugada syndrome. Also called: Sudden Unexplained Death Syndrome; Sudden Unexplained Nocturnal Death Syndrome (SUNDS); Sudden unexpected nocturnal death syndrome; Sudden unexplained nocturnal death syndrome. Identifiers: Orphanet 130, MedGen C1142166, MONDO:0015263.

Allele frequency attached by ClinVar (database versions not stated): gnomAD exomes below 0.00001 and 0.00001; TOPMed below 0.00001; ExAC 0.00001; gnomAD 0.00001.
gnomAD v4.1: 6 of 1,613,848 alleles (0.00037%); highest among the groups gnomAD compares: Non-Finnish European, 0.00051%; no homozygotes.

Submissions (2):

Labcorp Genetics (formerly Invitae), Labcorp
Classification: Uncertain significance for Brugada syndrome. Last evaluated: 2024-04-22. Review status: criteria provided, single submitter. Criteria: Invitae Variant Classification Sherloc (09022015). Collection method: clinical testing. Allele origin: germline.
Comment: This sequence change replaces proline, which is neutral and non-polar, with serine, which is neutral and polar, at codon 112 of the GPD1L protein (p.Pro112Ser). This variant is present in population databases (rs762262112, gnomAD 0.002%). This variant has not been reported in the literature in individuals affected with GPD1L-related conditions. ClinVar contains an entry for this variant (Variation ID: 1419841). Advanced modeling of protein sequence and biophysical properties (such as structural, functional, and spatial information, amino acid conservation, physicochemical variation, residue mobility, and thermodynamic stability) performed at Invitae indicates that this missense variant is not expected to disrupt GPD1L protein function with a negative predictive value of 80%. In summary, the available evidence is currently insufficient to determine the role of this variant in disease. Therefore, it has been classified as a Variant of Uncertain Significance.

Ambry Genetics
Classification: Uncertain significance for Cardiovascular phenotype. Last evaluated: 2023-04-26. Review status: criteria provided, single submitter. Criteria: Ambry Variant Classification Scheme 2023. Collection method: clinical testing. Allele origin: germline.